The following is an entry in ClinVar:

NM_181882.3(PRX):c.3286_3356del (p.Ile1096fs)

Gene: PRX (periaxin; minus strand). Cytogenetic location: 19q13.2.
Variant type: Deletion.
Coding change: c.3286_3356del on transcript NM_181882.3 (MANE Select); coding-DNA positions 3286 to 3356, 71 bases deleted.
Protein change: p.Ile1096fs; shifts the reading frame from isoleucine 1096.
Molecular consequence: frameshift variant. On other transcripts: 3 prime UTR variant (1).
Genome position (GRCh38, 1-based): chr19:40,394,996-40,395,066, 71 bases deleted. GRCh37 (hg19): chr19:40,900,905-40,900,975.
Other names: c.*3491_*3561del (NM_020956.2); c.*3491_*3561delATCCCCGAGGTGGAGCTGGTCACGCTGGGCGCCCAGGAGGAAGGGAGGGCAGAGGGGGCTGTGGCCGTCAG (NM_020956.2).
Identifiers: ClinVar variation 448139 (VCV000448139.12), dbSNP rs1555800610, ClinGen allele CA507678707.

ClinVar aggregate classification (germline): Pathogenic/Likely pathogenic. Review status: criteria provided, multiple submitters, no conflicts (2 of 4 stars). 4 submissions from 4 submitters: Pathogenic (3); Likely pathogenic (1). Last evaluated 2025-07-22.

Conditions:
Charcot-Marie-Tooth disease type 4. Also called: Charcot-Marie-Tooth disease, type IV; Charcot-Marie-Tooth, Type 4. Identifiers: Orphanet 64749, MedGen C4082197, MONDO:0018995.
Charcot-Marie-Tooth disease. Also called: Charcot-Marie-Tooth Neuropathy; Charcot-Marie-Tooth Hereditary Neuropathy. Identifiers: Orphanet 166, MedGen C0007959, MONDO:0015626.

Submissions (4):

Labcorp Genetics (formerly Invitae), Labcorp
Classification: Pathogenic for Charcot-Marie-Tooth disease type 4. Last evaluated: 2025-07-22. Review status: criteria provided, single submitter. Criteria: Invitae Variant Classification Sherloc (09022015). Collection method: clinical testing. Allele origin: germline.
Comment: This sequence change creates a premature translational stop signal (p.Ile1096Trpfs*18) in the PRX gene. While this is not anticipated to result in nonsense mediated decay, it is expected to disrupt the last 366 amino acid(s) of the PRX protein. This variant is present in population databases (no rsID available, gnomAD 0.0009%). This premature translational stop signal has been observed in individual(s) with Charcot-Marie-Tooth disease (PMID: 18410371, 32460404). ClinVar contains an entry for this variant (Variation ID: 448139). This variant disrupts a region of the PRX protein in which other variant(s) (p.Gln1169*) have been determined to be pathogenic (internal data). This suggests that this is a clinically significant region of the protein, and that variants that disrupt it are likely to be disease-causing. For these reasons, this variant has been classified as Pathogenic.

GeneDx
Classification: Likely pathogenic. Last evaluated: 2023-03-05. Review status: criteria provided, single submitter. Criteria: GeneDx Variant Classification Process June 2021. Collection method: clinical testing. Allele origin: germline. Affected: yes.
Comment: Frameshift variant predicted to result in protein truncation, as the last 366 amino acids are replaced with 17 different amino acids, and other loss-of-function variants have been reported downstream in HGMD; Not observed at significant frequency in large population cohorts (gnomAD); This variant is associated with the following publications: (PMID: 32376792, 32460404, 18410371)

Athena Diagnostics
Classification: Pathogenic. Last evaluated: 2017-01-13. Review status: criteria provided, single submitter. Criteria: Athena Diagnostics Criteria. Collection method: clinical testing. Allele origin: germline.

Molecular Genetics Laboratory, London Health Sciences Centre
Classification: Pathogenic for Charcot-Marie-Tooth disease. Review status: criteria provided, single submitter. Criteria: ACMG Guidelines, 2015. Collection method: clinical testing. Allele origin: germline. Affected: yes.

Literature cited by the submitters: PubMed 18410371 (cited by Labcorp Genetics (formerly Invitae), Labcorp and Athena Diagnostics); PubMed 32460404 (cited by Labcorp Genetics (formerly Invitae), Labcorp).